The following is an entry in ClinVar:

NM_182961.4(SYNE1):c.16182T>G (p.Ser5394=)

Gene: SYNE1 (spectrin repeat containing nuclear envelope protein 1; minus strand). Cytogenetic location: 6q25.2.
Variant type: single nucleotide variant.
Coding change: c.16182T>G on transcript NM_182961.4 (MANE Select); coding-DNA position 16182, T replaced by G.
Protein change: p.Ser5394=; no amino-acid change (serine 5394 retained).
Molecular consequence: synonymous variant.
Genome position (GRCh38, 1-based): chr6:152,321,292, A>C on the plus strand (T>G on the coding strand, the complement: SYNE1 is on the minus strand). VCF-style: chr6-152321292-A-C. GRCh37 (hg19) VCF-style: chr6-152642427-A-C.
Other names: c.15969T>G, p.Ser5323= (NM_033071.5).
Identifiers: ClinVar variation 283686 (VCV000283686.21), dbSNP rs146705789, ClinGen allele CA4055592.
Genomic context (GRCh38, chr6:152,321,292, plus strand): 5'-GTTTACCTGATCTCGGATCTTTAGATCTAACGCCACTTCAGCCAACTGAAGGGAGAGTTC[A>C]GAAGGTAATATGGTATAAAGACCTAAGTACTTCTCCTTCTGTTCTTCTGCCATTTTTTCA-3'
Protein context (NP_892006.3, residues 5384-5404): KYLGLYTILP[Ser5394=]ELSLQLAEVA

ClinVar aggregate classification (germline): Conflicting classifications of pathogenicity. Review status: criteria provided, conflicting classifications (1 of 4 stars). 6 submissions from 5 submitters: Uncertain significance (2); Benign (1); Likely benign (2). 1 of the submissions does not count toward it. Last evaluated 2025-12-08.

Conditions:
SYNE1-related disorder. Also called: SYNE1-related disease; SYNE1-related condition; SYNE1-related disorders.
Autosomal recessive ataxia, Beauce type. Also called: Spinocerebellar ataxia, autosomal recessive 8; ATAXIA, RECESSIVE, OF BEAUCE; SYNE1-Related Autosomal Recessive Cerebellar Ataxia; SYNE1 Deficiency. Identifiers: Orphanet 88644, MedGen C1853116, MONDO:0012549, OMIM 610743.
Emery-Dreifuss muscular dystrophy 4, autosomal dominant (EDMD4). Also called: EMERY-DREIFUSS MUSCULAR DYSTROPHY 4 WITH VARIABLE FEATURES. Identifiers: Orphanet 261, MedGen C2751807, MONDO:0013071, OMIM 612998.

Allele frequency attached by ClinVar (database versions not stated): ExAC 0.00011; gnomAD exomes 0.00014 and 0.00029; TOPMed 0.00016; gnomAD 0.00019; ESP Exome Variant Server 0.00023.
gnomAD v4.1: 444 of 1,613,822 alleles (0.028%); highest among the groups gnomAD compares: Non-Finnish European, 0.035%; 1 homozygote.

Submissions (6):

Labcorp Genetics (formerly Invitae), Labcorp
Classification: Likely benign for Emery-Dreifuss muscular dystrophy 4, autosomal dominant; Autosomal recessive ataxia, Beauce type. Last evaluated: 2025-12-08. Review status: criteria provided, single submitter. Criteria: Invitae Variant Classification Sherloc (09022015). Collection method: clinical testing. Allele origin: germline.

Illumina Laboratory Services, Illumina
Classification: Benign for Emery-Dreifuss muscular dystrophy 4, autosomal dominant. Last evaluated: 2018-01-12. Review status: criteria provided, single submitter. Criteria: ICSL Variant Classification Criteria 13 December 2019. Collection method: clinical testing. Allele origin: germline.
Comment: This variant was observed in the ICSL laboratory as part of a predisposition screen in an ostensibly healthy population. It had not been previously curated by ICSL or reported in the Human Gene Mutation Database (HGMD: prior to June 1st, 2018), and was therefore a candidate for classification through an automated scoring system. Utilizing variant allele frequency, disease prevalence and penetrance estimates, and inheritance mode, an automated score was calculated to assess if this variant is too frequent to cause the disease. Based on the score and internal cut-off values, a variant classified as benign is not then subjected to further curation. The score for this variant resulted in a classification of benign for this disease.

Illumina Laboratory Services, Illumina
Classification: Uncertain significance for Autosomal recessive ataxia, Beauce type. Last evaluated: 2018-01-12. Review status: criteria provided, single submitter. Criteria: ICSL Variant Classification Criteria 13 December 2019. Collection method: clinical testing. Allele origin: germline.

GeneDx
Classification: Likely benign. Last evaluated: 2017-12-28. Review status: criteria provided, single submitter. Criteria: GeneDx Variant Classification (06012015). Collection method: clinical testing. Allele origin: germline. Affected: yes.
Comment: This variant is considered likely benign or benign based on one or more of the following criteria: it is a conservative change, it occurs at a poorly conserved position in the protein, it is predicted to be benign by multiple in silico algorithms, and/or has population frequency not consistent with disease.

Eurofins Ntd Llc (ga)
Classification: Uncertain significance. Last evaluated: 2015-10-09. Review status: criteria provided, single submitter. Criteria: EGL Classification Definitions 2015. Collection method: clinical testing. Allele origin: germline. Observed: 2 variant alleles, 2 heterozygotes.

PreventionGenetics, part of Exact Sciences
Classification: Likely benign for SYNE1-related condition. Last evaluated: 2019-05-03. Review status: no assertion criteria provided. Collection method: clinical testing. Allele origin: germline. Not counted in ClinVar's aggregate classification.
Comment: This variant is classified as likely benign based on ACMG/AMP sequence variant interpretation guidelines (Richards et al. 2015 PMID: 25741868, with internal and published modifications).